The following is an entry in ClinVar:

NM_000031.6(ALAD):c.407G>A (p.Ser136Asn)

Gene: ALAD (aminolevulinate dehydratase; minus strand). Cytogenetic location: 9q32.
Variant type: single nucleotide variant.
Coding change: c.407G>A on transcript NM_000031.6 (MANE Select); coding-DNA position 407, G replaced by A.
Protein change: p.Ser136Asn; replaces serine 136 with asparagine.
Molecular consequence: missense variant.
Genome position (GRCh38, 1-based): chr9:113,390,667, C>T on the plus strand (G>A on the coding strand, the complement: ALAD is on the minus strand). VCF-style: chr9-113390667-C-T. GRCh37 (hg19) VCF-style: chr9-116152947-C-T.
Other names: c.494G>A, p.Ser165Asn (NM_001003945.3); c.383G>A, p.Ser128Asn (NM_001317745.2); short protein forms S165N, S128N, S136N.
Identifiers: ClinVar variation 1371219 (VCV001371219.6), dbSNP rs1827552894, ClinGen allele CA374564491.

ClinVar aggregate classification (germline): Uncertain significance (1 of 4 stars; one submission).

Allele frequency attached by ClinVar (database versions not stated): gnomAD exomes below 0.00001; TOPMed below 0.00001; gnomAD 0.00001.
gnomAD v4.1: 5 of 1,613,828 alleles (0.00031%); highest among the groups gnomAD compares: Non-Finnish European, 0.00042%; no homozygotes.

Submission:

Labcorp Genetics (formerly Invitae), Labcorp
Classification: Uncertain significance. Last evaluated: 2023-10-13. Review status: criteria provided, single submitter. Criteria: Invitae Variant Classification Sherloc (09022015). Collection method: clinical testing. Allele origin: germline.
Comment: This sequence change replaces serine, which is neutral and polar, with asparagine, which is neutral and polar, at codon 136 of the ALAD protein (p.Ser136Asn). This variant is not present in population databases (gnomAD no frequency). This variant has not been reported in the literature in individuals affected with ALAD-related conditions. ClinVar contains an entry for this variant (Variation ID: 1371219). Advanced modeling of protein sequence and biophysical properties (such as structural, functional, and spatial information, amino acid conservation, physicochemical variation, residue mobility, and thermodynamic stability) performed at Invitae indicates that this missense variant is not expected to disrupt ALAD protein function. In summary, the available evidence is currently insufficient to determine the role of this variant in disease. Therefore, it has been classified as a Variant of Uncertain Significance.